The following is an entry in ClinVar:

ClinVar aggregate classification (germline): Likely benign (1 of 4 stars; one submission).

Conditions:
FUS-related disorder. Also called: FUS-related condition.

gnomAD v4.1: 4 of 1,609,714 alleles (0.00025%); highest among the groups gnomAD compares: Admixed American, 0.005%; no homozygotes.

Submission:

PreventionGenetics, part of Exact Sciences
Classification: Likely benign for FUS-related condition. Last evaluated: 2026-01-01. Review status: criteria provided, single submitter. Criteria: ACMG Guidelines, 2015. Collection method: clinical testing. Allele origin: germline.
Comment: This variant is classified as likely benign based on ACMG/AMP sequence variant interpretation guidelines (Richards et al. 2015 PMID: 25741868, with internal and published modifications).

NM_004960.4(FUS):c.13+10G>A

Gene: FUS (FUS RNA binding protein; plus strand). Cytogenetic location: 16p11.2.
Variant type: single nucleotide variant.
Coding change: c.13+10G>A on transcript NM_004960.4 (MANE Select); 10 bases into the intron after coding-DNA position 13, G replaced by A.
Molecular consequence: intron variant.
Genome position (GRCh38, 1-based): chr16:31,180,237, G>A. VCF-style: chr16-31180237-G-A. GRCh37 (hg19) VCF-style: chr16-31191558-G-A.
Other names: c.13+10G>A (NM_001170937.1, NM_001170634.1).
Identifiers: ClinVar variation 4988114 (VCV004988114.1).